The following is an entry in ClinVar:

NM_000088.4(COL1A1):c.3815-2A>G

Gene: COL1A1 (collagen type I alpha 1 chain; minus strand). Cytogenetic location: 17q21.33.
Variant type: single nucleotide variant.
Coding change: c.3815-2A>G on transcript NM_000088.4 (MANE Select); the canonical splice acceptor site of the intron before coding-DNA position 3815, A replaced by G.
Molecular consequence: splice acceptor variant.
Genome position (GRCh38, 1-based): chr17:50,186,509, T>C on the plus strand (A>G on the coding strand, the complement: COL1A1 is on the minus strand). VCF-style: chr17-50186509-T-C. GRCh37 (hg19) VCF-style: chr17-48263870-T-C.
Identifiers: ClinVar variation 4813917 (VCV004813917.1).

ClinVar aggregate classification (germline): Pathogenic (1 of 4 stars; one submission).

Submission:

GeneDx
Classification: Pathogenic. Last evaluated: 2025-09-23. Review status: criteria provided, single submitter. Criteria: GeneDx Variant Classification Process June 2021. Collection method: clinical testing. Allele origin: germline. Affected: yes.
Comment: Identified in an infant with osteogenesis imperfecta in published literature (PMID: 25963598); Canonical splice site variant predicted to result in a null allele in a gene for which loss of function is a known mechanism of disease; Not observed at significant frequency in large population cohorts (gnomAD); This variant is associated with the following publications: (PMID: 25963598)